The following is an entry in ClinVar:

ClinVar aggregate classification (germline): Uncertain significance (1 of 4 stars; one submission).

Submission:

Ambry Genetics
Classification: Uncertain significance. Last evaluated: 2025-09-11. Review status: criteria provided, single submitter. Criteria: Ambry Variant Classification Scheme 2023. Collection method: clinical testing. Allele origin: germline.
Comment: The p.M384T variant (also known as c.1151T>C), located in coding exon 10 of the GEN1 gene, results from a T to C substitution at nucleotide position 1151. The methionine at codon 384 is replaced by threonine, an amino acid with similar properties. This amino acid position is conserved. In addition, this alteration is predicted to be tolerated by in silico analysis. Based on the available evidence, the clinical significance of this variant remains unclear.

NM_001130009.3(GEN1):c.1151T>C (p.Met384Thr)

Gene: GEN1 (GEN1 Holliday junction 5' flap endonuclease; plus strand). Cytogenetic location: 2p24.2.
Variant type: single nucleotide variant.
Coding change: c.1151T>C on transcript NM_001130009.3 (MANE Select); coding-DNA position 1151, T replaced by C.
Protein change: p.Met384Thr; replaces methionine 384 with threonine.
Molecular consequence: missense variant.
Genome position (GRCh38, 1-based): chr2:17,774,350, T>C. VCF-style: chr2-17774350-T-C. GRCh37 (hg19) VCF-style: chr2-17955617-T-C.
Other names: c.1151T>C, p.Met384Thr (NM_182625.5); short protein forms M384T.
Identifiers: ClinVar variation 4263134 (VCV004263134.1).
Genomic context (GRCh38, chr2:17,774,350, plus strand): 5'-TGGAGTGGCCCAATCACTATGCATGTGAGAAATTGCTGGTACTTTTGACCCATTATGACA[T>C]GATAGAAAGAAAGCTTGGTAGCAGAAACTCTAATCAACTACAGCCAATTCGGTAATGTAA-3'
Protein context (NP_001123481.3, residues 374-394): KLLVLLTHYD[Met384Thr]IERKLGSRNS